The following is an entry in ClinVar:

ClinVar aggregate classification (germline): Likely benign. Review status: criteria provided, multiple submitters, no conflicts (2 of 4 stars). 3 submissions from 3 submitters: Likely benign (3). Last evaluated 2026-01-04.

Conditions:
Cardiovascular phenotype. Identifiers: MedGen CN230736.
Progressive familial heart block type IB (PFHB1B). Identifiers: Orphanet 871, MedGen C1970298, MONDO:0011474, OMIM 604559.

Allele frequency attached by ClinVar (database versions not stated): TOPMed below 0.00001; gnomAD 0.00001 and 0.00003; gnomAD exomes 0.00001 and 0.00005; ExAC 0.00006; 1000 Genomes Project 30x 0.00031; 1000 Genomes Project 0.00040.
gnomAD v4.1: 17 of 1,614,178 alleles (0.0011%); highest among the groups gnomAD compares: East Asian, 0.033%; no homozygotes.

Submissions (3):

Labcorp Genetics (formerly Invitae), Labcorp
Classification: Likely benign for Progressive familial heart block type IB. Last evaluated: 2026-01-04. Review status: criteria provided, single submitter. Criteria: Invitae Variant Classification Sherloc (09022015). Collection method: clinical testing. Allele origin: germline.

Ambry Genetics
Classification: Likely benign for Cardiovascular phenotype. Last evaluated: 2024-01-27. Review status: criteria provided, single submitter. Criteria: Ambry Variant Classification Scheme 2023. Collection method: clinical testing. Allele origin: germline.

GeneDx
Classification: Likely benign. Last evaluated: 2016-10-03. Review status: criteria provided, single submitter. Criteria: GeneDx Variant Classification (06012015). Collection method: clinical testing. Allele origin: germline. Affected: yes.
Comment: This variant is considered likely benign or benign based on one or more of the following criteria: it is a conservative change, it occurs at a poorly conserved position in the protein, it is predicted to be benign by multiple in silico algorithms, and/or has population frequency not consistent with disease.

NM_017636.4(TRPM4):c.1803C>G (p.Arg601=)

Gene: TRPM4 (transient receptor potential cation channel subfamily M member 4; plus strand). Cytogenetic location: 19q13.33.
Variant type: single nucleotide variant.
Coding change: c.1803C>G on transcript NM_017636.4 (MANE Select); coding-DNA position 1803, C replaced by G.
Protein change: p.Arg601=; no amino-acid change (arginine 601 retained).
Molecular consequence: synonymous variant.
Genome position (GRCh38, 1-based): chr19:49,188,700, C>G. VCF-style: chr19-49188700-C-G. GRCh37 (hg19) VCF-style: chr19-49691957-C-G.
Other names: c.1803C>G, p.Arg601= (NM_001195227.2); c.1458C>G, p.Arg486= (NM_001321281.2); c.195C>G, p.Arg65= (NM_001321282.2); c.1281C>G, p.Arg427= (NM_001321283.2); c.741C>G, p.Arg247= (NM_001321285.2).
Identifiers: ClinVar variation 389667 (VCV000389667.7), dbSNP rs528980972, ClinGen allele CA9569329.
Genomic context (GRCh38, chr19:49,188,700, plus strand): 5'-GGGTTCCAATGCAGTTTCCTCAGCTCTTGGGGCCTGTTTGCTGCTCCGGGTGATGGCACG[C>G]CTGGAGCCTGACGCTGAGGAGGCAGCACGGAGGAAAGACCTGGCGTTCAAGTTTGAGGGG-3'
Protein context (NP_060106.2, residues 591-611): GACLLLRVMA[Arg601=]LEPDAEEAAR